The following is an entry in ClinVar:

ClinVar aggregate classification (germline): Uncertain significance (1 of 4 stars; one submission).

Allele frequency attached by ClinVar (database versions not stated): gnomAD exomes below 0.00001; ExAC 0.00001.
gnomAD v4.1: 3 of 1,614,080 alleles (0.00019%); highest among the groups gnomAD compares: Middle Eastern, 0.016%; no homozygotes.

Submission:

Labcorp Genetics (formerly Invitae), Labcorp
Classification: Uncertain significance. Last evaluated: 2022-07-19. Review status: criteria provided, single submitter. Criteria: Invitae Variant Classification Sherloc (09022015). Collection method: clinical testing. Allele origin: germline.
Comment: This sequence change replaces isoleucine, which is neutral and non-polar, with asparagine, which is neutral and polar, at codon 284 of the PDZD7 protein (p.Ile284Asn). This variant is present in population databases (rs756393788, gnomAD 0.006%). This variant has not been reported in the literature in individuals affected with PDZD7-related conditions. Algorithms developed to predict the effect of missense changes on protein structure and function are either unavailable or do not agree on the potential impact of this missense change (SIFT: "Deleterious"; PolyPhen-2: "Not Available"; Align-GVGD: "Class C45"). In summary, the available evidence is currently insufficient to determine the role of this variant in disease. Therefore, it has been classified as a Variant of Uncertain Significance.

NM_001195263.2(PDZD7):c.851T>A (p.Ile284Asn)

Gene: PDZD7 (PDZ domain containing 7; minus strand). Cytogenetic location: 10q24.31.
Variant type: single nucleotide variant.
Coding change: c.851T>A on transcript NM_001195263.2 (MANE Select); coding-DNA position 851, T replaced by A.
Protein change: p.Ile284Asn; replaces isoleucine 284 with asparagine.
Molecular consequence: missense variant.
Genome position (GRCh38, 1-based): chr10:101,021,814, A>T on the plus strand (T>A on the coding strand, the complement: PDZD7 is on the minus strand). VCF-style: chr10-101021814-A-T. GRCh37 (hg19) VCF-style: chr10-102781571-A-T.
Other names: c.851T>A, p.Ile284Asn (NM_001351044.2, NM_024895.5); short protein forms I284N.
Identifiers: ClinVar variation 1962965 (VCV001962965.2), dbSNP rs756393788, ClinGen allele CA5654240.